The following is an entry in ClinVar:

ClinVar aggregate classification (germline): Uncertain significance. Review status: criteria provided, multiple submitters, no conflicts (2 of 4 stars). 2 submissions from 2 submitters: Uncertain significance (2). Last evaluated 2025-05-02.

Conditions:
Hereditary cancer-predisposing syndrome. Also called: Tumor predisposition; Hereditary Cancer Syndrome; Hereditary neoplastic syndrome; Neoplastic Syndromes, Hereditary. Identifiers: Orphanet 140162, MedGen C0027672, MeSH D009386, MONDO:0015356.
Ataxia-telangiectasia syndrome (AT). Also called: Ataxia-telangiectasia, complementation group D; AT, COMPLEMENTATION GROUP C; ATAXIA-TELANGIECTASIA, COMPLEMENTATION GROUP A; ATAXIA-TELANGIECTASIA, FRESNO VARIANT; Ataxia-telangiectasia, complementation group E; LOUIS-BAR SYNDROME. Identifiers: Orphanet 100, MedGen C0004135, MONDO:0008840, OMIM 208900.

Submissions (2):

Ambry Genetics
Classification: Uncertain significance for Hereditary cancer-predisposing syndrome. Last evaluated: 2025-05-02. Review status: criteria provided, single submitter. Criteria: Ambry Variant Classification Scheme 2023. Collection method: clinical testing. Allele origin: germline.
Comment: The p.E2402Q variant (also known as c.7204G>C), located in coding exon 48 of the ATM gene, results from a G to C substitution at nucleotide position 7204. The glutamic acid at codon 2402 is replaced by glutamine, an amino acid with highly similar properties. This amino acid position is conserved. In addition, the in silico prediction for this alteration is inconclusive. Based on the available evidence, the clinical significance of this variant remains unclear.

Labcorp Genetics (formerly Invitae), Labcorp
Classification: Uncertain significance for Ataxia-telangiectasia syndrome. Last evaluated: 2021-12-25. Review status: criteria provided, single submitter. Criteria: Invitae Variant Classification Sherloc (09022015). Collection method: clinical testing. Allele origin: germline.
Comment: This sequence change replaces glutamic acid, which is acidic and polar, with glutamine, which is neutral and polar, at codon 2402 of the ATM protein (p.Glu2402Gln). This variant is not present in population databases (gnomAD no frequency). This variant has not been reported in the literature in individuals affected with ATM-related conditions. Advanced modeling of protein sequence and biophysical properties (such as structural, functional, and spatial information, amino acid conservation, physicochemical variation, residue mobility, and thermodynamic stability) performed at Invitae indicates that this missense variant is not expected to disrupt ATM protein function. In summary, the available evidence is currently insufficient to determine the role of this variant in disease. Therefore, it has been classified as a Variant of Uncertain Significance.

NM_000051.4(ATM):c.7204G>C (p.Glu2402Gln)

Genes: ATM (ATM serine/threonine kinase; plus strand), C11orf65 (chromosome 11 open reading frame 65; minus strand). Cytogenetic location: 11q22.3.
Variant type: single nucleotide variant.
Coding change: c.7204G>C on transcript NM_000051.4 (MANE Select); coding-DNA position 7204, G replaced by C.
Protein change: p.Glu2402Gln; replaces glutamic acid 2402 with glutamine.
Molecular consequence: missense variant. On other transcripts: intron variant (2).
Genome position (GRCh38, 1-based): chr11:108,329,135, G>C. VCF-style: chr11-108329135-G-C. GRCh37 (hg19) VCF-style: chr11-108199862-G-C.
Other names: c.7204G>C, p.Glu2402Gln (NM_001351834.2); c.641-20064C>G (NM_001330368.2); c.*38+6085C>G (NM_001351110.2); short protein forms E2402Q.
Identifiers: ClinVar variation 2060708 (VCV002060708.5), dbSNP rs2085987831, ClinGen allele CA382559622.